The following is an entry in ClinVar:

ClinVar aggregate classification (germline): Uncertain significance (0 of 4 stars; one submission).

Conditions:
DYNC2H1-related disorder. Also called: DYNC2H1-related condition; DYNC2H1-related disorders. Identifiers: MedGen CN378770.

Submission:

PreventionGenetics, part of Exact Sciences
Classification: Uncertain significance for DYNC2H1-related condition. Last evaluated: 2024-06-03. Review status: no assertion criteria provided. Collection method: clinical testing. Allele origin: germline.
Comment: The DYNC2H1 c.4061C>A variant is predicted to result in the amino acid substitution p.Pro1354His. To our knowledge, this variant has not been reported in the literature or in a large population database, indicating this variant is rare. At this time, the clinical significance of this variant is uncertain due to the absence of conclusive functional and genetic evidence.

NM_001377.3(DYNC2H1):c.4061C>A (p.Pro1354His)

Gene: DYNC2H1 (dynein cytoplasmic 2 heavy chain 1; plus strand). Cytogenetic location: 11q22.3.
Variant type: single nucleotide variant.
Coding change: c.4061C>A on transcript NM_001377.3 (MANE Select); coding-DNA position 4061, C replaced by A.
Protein change: p.Pro1354His; replaces proline 1354 with histidine.
Molecular consequence: missense variant.
Genome position (GRCh38, 1-based): chr11:103,156,704, C>A. VCF-style: chr11-103156704-C-A. GRCh37 (hg19) VCF-style: chr11-103027433-C-A.
Other names: c.4061C>A, p.Pro1354His (NM_001080463.2); short protein forms P1354H.
Identifiers: ClinVar variation 3346699 (VCV003346699.1).